The following is an entry in ClinVar:

NM_001851.6(COL9A1):c.299+3A>T

Gene: COL9A1 (collagen type IX alpha 1 chain; minus strand). Cytogenetic location: 6q13.
Variant type: single nucleotide variant.
Coding change: c.299+3A>T on transcript NM_001851.6 (MANE Select); 3 bases into the intron after coding-DNA position 299, A replaced by T.
Molecular consequence: intron variant.
Genome position (GRCh38, 1-based): chr6:70,300,040, T>A on the plus strand (A>T on the coding strand, the complement: COL9A1 is on the minus strand). VCF-style: chr6-70300040-T-A. GRCh37 (hg19) VCF-style: chr6-71009743-T-A.
Other names: c.299+3A>T (NM_001377291.1).
Identifiers: ClinVar variation 4975699 (VCV004975699.1).

ClinVar aggregate classification (germline): Uncertain significance (1 of 4 stars; one submission).

gnomAD v4.1: 1 of 1,613,536 alleles (0.000062%); highest among the groups gnomAD compares: Admixed American, 0.0017%; no homozygotes.

Submission:

GeneDx
Classification: Uncertain significance. Last evaluated: 2026-01-27. Review status: criteria provided, single submitter. Criteria: GeneDx Variant Classification Process June 2021. Collection method: clinical testing. Allele origin: germline.
Comment: Not observed at significant frequency in large population cohorts (gnomAD); In silico analysis supports a deleterious effect on splicing; Has not been previously published as pathogenic or benign to our knowledge